The following is an entry in ClinVar:

NC_000015.9:g.(?_44855319)_(45898712_?)dup

Genes: SORD (sorbitol dehydrogenase; plus strand), TRIM69 (tripartite motif containing 69; plus strand), SPG11 (SPG11 vesicle trafficking associated, spatacsin; minus strand), TERB2 (telomere repeat binding bouquet formation protein 2; plus strand), SHF (Src homology 2 domain containing F; minus strand) and 12 more. Cytogenetic location: 15q21.1.
Variant type: Duplication.
Identifiers: ClinVar variation 1007236 (VCV001007236.1).

ClinVar aggregate classification (germline): Uncertain significance (1 of 4 stars; one submission).

Conditions:
Arginine:glycine amidinotransferase deficiency (CCDS3). Also called: AGAT deficiency; Cerebral creatine deficiency syndrome 3; L-Arginine:Glycine Amidinotransferase Deficiency; Creatine deficiency syndrome due to AGAT deficiency; GATM deficiency; L-Arginine:Glycine Amidinotransferase (AGAT) Deficiency. Identifiers: Orphanet 35704, MedGen C2675179, MONDO:0012996, OMIM 612718.

Submission:

Labcorp Genetics (formerly Invitae), Labcorp
Classification: Uncertain significance for Arginine:glycine amidinotransferase deficiency. Last evaluated: 2020-10-12. Review status: criteria provided, single submitter. Criteria: Invitae Variant Classification Sherloc (09022015). Collection method: clinical testing. Allele origin: germline.
Comment: This variant results in a copy number gain of the genomic region encompassing the full coding sequence of the GATM gene. The boundaries of this event are unknown as they extend beyond the assayed region for this gene and therefore may encompass additional genes. As the precise location of this event is unknown, it may be in tandem or it may be located elsewhere in the genome. This variant has not been reported in the literature in individuals with GATM-related disease. In summary, the available evidence is currently insufficient to determine the role of this variant in disease. Therefore, it has been classified as a Variant of Uncertain Significance.